The following is an entry in ClinVar:

NM_000264.5(PTCH1):c.946-5T>A

Gene: PTCH1 (patched 1; minus strand). Cytogenetic location: 9q22.32.
Variant type: single nucleotide variant.
Coding change: c.946-5T>A on transcript NM_000264.5 (MANE Select); 5 bases into the intron before coding-DNA position 946, T replaced by A.
Molecular consequence: intron variant.
Genome position (GRCh38, 1-based): chr9:95,480,095, A>T on the plus strand (T>A on the coding strand, the complement: PTCH1 is on the minus strand). VCF-style: chr9-95480095-A-T. GRCh37 (hg19) VCF-style: chr9-98242377-A-T.
Other names: c.943-5T>A (NM_001083603.3); c.748-5T>A (NM_001083602.3); c.946-5T>A (NM_001354918.2); c.493-5T>A (NM_001083605.3, NM_001083604.3, NM_001083606.3 and 1 more transcripts).
Identifiers: ClinVar variation 643047 (VCV000643047.13), dbSNP rs1588608882, ClinGen allele CA915947076.

ClinVar aggregate classification (germline): Conflicting classifications of pathogenicity. Review status: criteria provided, conflicting classifications (1 of 4 stars). 3 submissions from 3 submitters: Uncertain significance (2); Likely benign (1). Last evaluated 2025-11-10.

Conditions:
Gorlin syndrome. Also called: Basal cell nevus syndrome; Nevoid Basal Cell Carcinoma Syndrome. Identifiers: Orphanet 377, MedGen C0004779, MONDO:0007187.
Hereditary cancer-predisposing syndrome. Also called: Neoplastic Syndromes, Hereditary; Hereditary Cancer Syndrome; Hereditary neoplastic syndrome; Tumor predisposition. Identifiers: Orphanet 140162, MedGen C0027672, MeSH D009386, MONDO:0015356.

Allele frequency attached by ClinVar (database versions not stated): gnomAD exomes below 0.00001.
gnomAD v4.1: 1 of 1,614,010 alleles (0.000062%); highest among the groups gnomAD compares: Non-Finnish European, 0.000085%; no homozygotes.

Submissions (3):

Labcorp Genetics (formerly Invitae), Labcorp
Classification: Likely benign for Gorlin syndrome. Last evaluated: 2025-11-10. Review status: criteria provided, single submitter. Criteria: Invitae Variant Classification Sherloc (09022015). Collection method: clinical testing. Allele origin: germline.

Ambry Genetics
Classification: Uncertain significance for Hereditary cancer-predisposing syndrome. Last evaluated: 2023-07-10. Review status: criteria provided, single submitter. Criteria: Ambry Variant Classification Scheme 2023. Collection method: clinical testing. Allele origin: germline.
Comment: The c.946-5T>A intronic variant results from a T to A substitution 5 nucleotides upstream from coding exon 7 in the PTCH1 gene. This nucleotide position is well conserved in available vertebrate species. In silico splice site analysis predicts that this alteration will not have any significant effect on splicing. Since supporting evidence is limited at this time, the clinical significance of this alteration remains unclear.

GeneDx
Classification: Uncertain significance. Last evaluated: 2020-01-09. Review status: criteria provided, single submitter. Criteria: GeneDx Variant Classification Process June 2021. Collection method: clinical testing. Allele origin: germline. Affected: yes.
Comment: Not observed in large population cohorts (Lek 2016); In silico analysis, which includes splice predictors and evolutionary conservation, suggests this variant may impact gene splicing. In the absence of RNA/functional studies, the actual effect of this sequence change is unknown.; Observed in individuals with advanced cancer (Mandelker 2017); This variant is associated with the following publications: (PMID: 28873162)